The following is an entry in ClinVar:

NM_020975.6(RET):c.3283G>A (p.Val1095Ile)

Gene: RET (ret proto-oncogene; plus strand). Cytogenetic location: 10q11.21.
Variant type: single nucleotide variant.
Coding change: c.3283G>A on transcript NM_020975.6 (MANE Select); coding-DNA position 3283, G replaced by A.
Protein change: p.Val1095Ile; replaces valine 1095 with isoleucine.
Molecular consequence: missense variant.
Genome position (GRCh38, 1-based): chr10:43,128,207, G>A. VCF-style: chr10-43128207-G-A. GRCh37 (hg19) VCF-style: chr10-43623655-G-A.
Other names: c.3283G>A, p.Val1095Ile (NM_000323.2, NM_001406743.1); c.*1453G>A (NM_001355216.2, NM_001406764.1, NM_001406765.1 and 15 more transcripts); c.3223G>A, p.Val1075Ile (NM_001406759.1, NM_001406760.1); c.3154G>A, p.Val1052Ile (NM_001406761.1, NM_001406762.1); c.3148G>A, p.Val1050Ile (NM_001406763.1); c.2995G>A, p.Val999Ile (NM_001406766.1, NM_001406767.1); c.2887G>A, p.Val963Ile (NM_001406769.1); c.2845G>A, p.Val949Ile (NM_001406771.1); and 7 more; short protein forms V1075I, V1095I, V592I, V963I, V999I, V1052I, V833I, V1050I.
Identifiers: ClinVar variation 1729771 (VCV001729771.5), dbSNP rs2133049172, ClinGen allele CA376559132.

ClinVar aggregate classification (germline): Uncertain significance. Review status: criteria provided, multiple submitters, no conflicts (2 of 4 stars). 2 submissions from 2 submitters: Uncertain significance (2). Last evaluated 2023-05-04.

Conditions:
Hereditary cancer-predisposing syndrome. Also called: Neoplastic Syndromes, Hereditary; Tumor predisposition; Hereditary Cancer Syndrome; Hereditary neoplastic syndrome. Identifiers: Orphanet 140162, MedGen C0027672, MeSH D009386, MONDO:0015356.
Multiple endocrine neoplasia, type 2 (MEN2). Identifiers: Orphanet 653, MedGen C4048306, MONDO:0019003. Disease mechanism: gain of function.

Submissions (2):

Labcorp Genetics (formerly Invitae), Labcorp
Classification: Uncertain significance for Multiple endocrine neoplasia, type 2. Last evaluated: 2023-05-04. Review status: criteria provided, single submitter. Criteria: Invitae Variant Classification Sherloc (09022015). Collection method: clinical testing. Allele origin: germline.
Comment: In summary, the available evidence is currently insufficient to determine the role of this variant in disease. Therefore, it has been classified as a Variant of Uncertain Significance. An algorithm developed to predict the effect of missense changes on protein structure and function (PolyPhen-2) suggests that this variant is likely to be disruptive. ClinVar contains an entry for this variant (Variation ID: 1729771). This variant has not been reported in the literature in individuals affected with RET-related conditions. This variant is not present in population databases (gnomAD no frequency). This sequence change replaces valine, which is neutral and non-polar, with isoleucine, which is neutral and non-polar, at codon 1095 of the RET protein (p.Val1095Ile).

Ambry Genetics
Classification: Uncertain significance for Hereditary cancer-predisposing syndrome. Last evaluated: 2022-03-30. Review status: criteria provided, single submitter. Criteria: Ambry Variant Classification Scheme 2023. Collection method: clinical testing. Allele origin: germline.
Comment: The p.V1095I variant (also known as c.3283G>A), located in coding exon 20 of the RET gene, results from a G to A substitution at nucleotide position 3283. The valine at codon 1095 is replaced by isoleucine, an amino acid with highly similar properties. This amino acid position is conserved. In addition, the in silico prediction for this alteration is inconclusive. Since supporting evidence is limited at this time, the clinical significance of this alteration remains unclear.